The following is an entry in ClinVar:

NM_001378964.1(CDON):c.2780G>A (p.Arg927His)

Gene: CDON (cell adhesion associated, oncogene regulated; minus strand). Cytogenetic location: 11q24.2.
Variant type: single nucleotide variant.
Coding change: c.2780G>A on transcript NM_001378964.1 (MANE Select); coding-DNA position 2780, G replaced by A.
Protein change: p.Arg927His; replaces arginine 927 with histidine.
Molecular consequence: missense variant.
Genome position (GRCh38, 1-based): chr11:125,984,087, C>T on the plus strand (G>A on the coding strand, the complement: CDON is on the minus strand). VCF-style: chr11-125984087-C-T. GRCh37 (hg19) VCF-style: chr11-125853982-C-T.
Other names: c.2780G>A, p.Arg927His (NM_001243597.3, NM_001441161.1, NM_001441162.1 and 5 more transcripts); short protein forms R927H.
Identifiers: ClinVar variation 4980313 (VCV004980313.1).

ClinVar aggregate classification (germline): Uncertain significance (1 of 4 stars; one submission).

Conditions:
CDON-related disorder. Also called: CDON-related condition.

gnomAD v4.1: 54 of 1,603,338 alleles (0.0034%); highest among the groups gnomAD compares: Non-Finnish European, 0.0043%; no homozygotes.

Submission:

PreventionGenetics, part of Exact Sciences
Classification: Uncertain significance for CDON-related condition. Last evaluated: 2026-05-11. Review status: criteria provided, single submitter. Criteria: ACMG Guidelines, 2015. Collection method: clinical testing. Allele origin: germline.
Comment: The CDON c.2780G>A variant is predicted to result in the amino acid substitution p.Arg927His. To our knowledge, this variant has not been reported in the literature. This variant is reported in 0.0099% of alleles in individuals of Ashkenazi Jewish descent in gnomAD. At this time, the clinical significance of this variant is uncertain due to the absence of conclusive functional and genetic evidence.